The following is an entry in ClinVar:

NM_002087.4(GRN):c.99C>A (p.Asp33Glu)

Gene: GRN (granulin precursor; plus strand). Cytogenetic location: 17q21.31.
Variant type: single nucleotide variant.
Coding change: c.99C>A on transcript NM_002087.4 (MANE Select); coding-DNA position 99, C replaced by A.
Protein change: p.Asp33Glu; replaces aspartic acid 33 with glutamic acid.
Molecular consequence: missense variant.
Genome position (GRCh38, 1-based): chr17:44,349,263, C>A. VCF-style: chr17-44349263-C-A. GRCh37 (hg19) VCF-style: chr17-42426631-C-A.
Other names: short protein forms D33E.
Identifiers: ClinVar variation 890387 (VCV000890387.15), dbSNP rs63750742, ClinGen allele CA8601746.

ClinVar aggregate classification (germline): Conflicting classifications of pathogenicity. Review status: criteria provided, conflicting classifications (1 of 4 stars). 5 submissions from 5 submitters: Uncertain significance (3); Likely benign (2). Last evaluated 2025-10-01.

Conditions:
Neuronal ceroid lipofuscinosis 11. Also called: GRN-Related Neuronal Ceroid-Lipofuscinosis. Identifiers: Orphanet 314629, Orphanet 79262, MedGen C3539123, MONDO:0013866, OMIM 614706.
GRN-related frontotemporal lobar degeneration with Tdp43 inclusions (FTD2). Also called: GRN Frontotemporal Dementia; DEMENTIA, HEREDITARY DYSPHASIC DISINHIBITION; FRONTOTEMPORAL LOBAR DEGENERATION WITH UBIQUITIN-POSITIVE INCLUSIONS; FTLD-TDP, GRN-RELATED; FRONTOTEMPORAL DEMENTIA WITH TDP43 INCLUSIONS, GRN-RELATED. Identifiers: Orphanet 100070, Orphanet 282, MedGen C1843792, MONDO:0011842, OMIM 607485. Disease mechanism: loss of function.
GRN-related disorder. Also called: GRN-related condition; GRN-related disorders.

Allele frequency attached by ClinVar (database versions not stated): TOPMed 0.00011.
gnomAD v4.1: 101 of 1,613,850 alleles (0.0063%); highest among the groups gnomAD compares: Middle Eastern, 0.016%; 1 homozygote.

Submissions (5):

Labcorp Genetics (formerly Invitae), Labcorp
Classification: Uncertain significance for Neuronal ceroid lipofuscinosis 11; GRN-related frontotemporal lobar degeneration with Tdp43 inclusions. Last evaluated: 2025-10-01. Review status: criteria provided, single submitter. Criteria: Invitae Variant Classification Sherloc (09022015). Collection method: clinical testing. Allele origin: germline.
Comment: This sequence change replaces aspartic acid, which is acidic and polar, with glutamic acid, which is acidic and polar, at codon 33 of the GRN protein (p.Asp33Glu). This variant is present in population databases (rs63750742, gnomAD 0.07%), including at least one homozygous and/or hemizygous individual. This missense change has been observed in individual(s) with frontotemporal dementia, Alzheimer disease and Parkinson's disease (PMID: 18565828, 18838661, 26811050, 27632209). ClinVar contains an entry for this variant (Variation ID: 890387). An algorithm developed to predict the effect of missense changes on protein structure and function (PolyPhen-2) suggests that this variant is likely to be tolerated. In summary, the available evidence is currently insufficient to determine the role of this variant in disease. Therefore, it has been classified as a Variant of Uncertain Significance.

PreventionGenetics, part of Exact Sciences
Classification: Likely benign for GRN-related condition. Last evaluated: 2024-10-17. Review status: criteria provided, single submitter. Criteria: ACMG Guidelines, 2015. Collection method: clinical testing. Allele origin: germline.
Comment: This variant is classified as likely benign based on ACMG/AMP sequence variant interpretation guidelines (Richards et al. 2015 PMID: 25741868, with internal and published modifications).

Blueprint Genetics
Classification: Uncertain significance. Last evaluated: 2024-09-12. Review status: criteria provided, single submitter. Criteria: ACMG Guidelines, 2015. Collection method: clinical testing. Allele origin: germline.

GeneDx
Classification: Likely benign. Last evaluated: 2020-01-17. Review status: criteria provided, single submitter. Criteria: GeneDx Variant Classification Process June 2021. Collection method: clinical testing. Allele origin: germline. Affected: yes.
Comment: In silico analysis, which includes protein predictors and evolutionary conservation, supports that this variant does not alter protein structure/function; This variant is associated with the following publications: (PMID: 27632209, 19288468, 30475763, 29956270, 18565828, 26811050)

Illumina Laboratory Services, Illumina
Classification: Uncertain significance for GRN-related frontotemporal lobar degeneration with Tdp43 inclusions. Last evaluated: 2017-09-14. Review status: criteria provided, single submitter. Criteria: ICSL Variant Classification Criteria 13 December 2019. Collection method: clinical testing. Allele origin: germline.
Comment: This variant was observed as part of a predisposition screen in an ostensibly healthy population. A literature search was performed for the gene, cDNA change, and amino acid change (where applicable). Publications were found based on this search. However, the evidence from the literature, in combination with allele frequency data from public databases where available, was not sufficient to rule this variant in or out of causing disease. Therefore, this variant is classified as a variant of unknown significance.

Literature cited by the submitters: PubMed 18565828 (cited by Labcorp Genetics (formerly Invitae), Labcorp and Illumina Laboratory Services, Illumina); PubMed 18838661 (cited by Labcorp Genetics (formerly Invitae), Labcorp and Illumina Laboratory Services, Illumina); PubMed 26811050 (cited by Labcorp Genetics (formerly Invitae), Labcorp and Illumina Laboratory Services, Illumina); PubMed 27632209 (cited by Labcorp Genetics (formerly Invitae), Labcorp and Illumina Laboratory Services, Illumina); PubMed 19288468 (cited by Illumina Laboratory Services, Illumina).